The following is an entry in ClinVar:

ClinVar aggregate classification (germline): Uncertain significance. Review status: criteria provided, multiple submitters, no conflicts (2 of 4 stars). 3 submissions from 3 submitters: Uncertain significance (3). Last evaluated 2026-01-27.

Conditions:
Inborn genetic diseases. Identifiers: MedGen C0950123, MeSH D030342.
Baller-Gerold syndrome (BGS). Also called: CRANIOSYNOSTOSIS WITH RADIAL DEFECTS. Identifiers: Orphanet 1225, MedGen C0265308, MONDO:0009039, OMIM 218600.
Rothmund-Thomson syndrome type 2 (RTS2). Identifiers: Orphanet 221016, MedGen C5203410, MONDO:0016369, OMIM 268400.

Allele frequency attached by ClinVar (database versions not stated): gnomAD exomes below 0.00001 and 0.00001; gnomAD 0.00001; ExAC 0.00002; TOPMed 0.00002.
gnomAD v4.1: 8 of 1,597,126 alleles (0.0005%); highest among the groups gnomAD compares: East Asian, 0.0046%; no homozygotes.

Submissions (3):

Labcorp Genetics (formerly Invitae), Labcorp
Classification: Uncertain significance for Baller-Gerold syndrome. Last evaluated: 2026-01-27. Review status: criteria provided, single submitter. Criteria: Invitae Variant Classification Sherloc (09022015). Collection method: clinical testing. Allele origin: germline.
Comment: This sequence change replaces histidine, which is basic and polar, with tyrosine, which is neutral and polar, at codon 635 of the RECQL4 protein (p.His635Tyr). This variant is present in population databases (rs758743745, gnomAD 0.01%). This variant has not been reported in the literature in individuals affected with RECQL4-related conditions. ClinVar contains an entry for this variant (Variation ID: 528965). Invitae Evidence Modeling of protein sequence and biophysical properties (such as structural, functional, and spatial information, amino acid conservation, physicochemical variation, residue mobility, and thermodynamic stability) indicates that this missense variant is not expected to disrupt RECQL4 protein function with a negative predictive value of 80%. In summary, the available evidence is currently insufficient to determine the role of this variant in disease. Therefore, it has been classified as a Variant of Uncertain Significance.

St. Jude Molecular Pathology, St. Jude Children's Research Hospital
Classification: Uncertain significance for Rothmund-Thomson syndrome type 2. Last evaluated: 2023-10-16. Review status: criteria provided, single submitter. Criteria: St. Jude Assertion Criteria 2020. Collection method: clinical testing. Allele origin: germline.
Comment: The RECQL4 c.1903C>T (p.His635Tyr) missense change has a maximum subpopulation frequency of 0.012% in gnomAD v2.1.1. In silico tools are inconclusive about a pathogenic or benign effect of this variant on protein function, and to our knowledge functional studies have not been performed. To our knowledge, this variant has not been reported in individuals with RECQL4-associated conditions. In summary, the evidence currently available is insufficient to determine the clinical significance of this variant. It has therefore been classified as of uncertain significance.

Ambry Genetics
Classification: Uncertain significance for Inborn genetic diseases. Last evaluated: 2020-12-10. Review status: criteria provided, single submitter. Criteria: Ambry Variant Classification Scheme 2023. Collection method: clinical testing. Allele origin: germline.
Comment: The c.1903C>T (p.H635Y) alteration is located in exon 12 (coding exon 12) of the RECQL4 gene. This alteration results from a C to T substitution at nucleotide position 1903, causing the histidine (H) at amino acid position 635 to be replaced by a tyrosine (Y). The p.H635Y alteration is predicted to be tolerated by in silico analysis. Based on insufficient or conflicting evidence, the clinical significance of this alteration remains unclear.

NM_004260.4(RECQL4):c.1903C>T (p.His635Tyr)

Gene: RECQL4 (RecQ like helicase 4; minus strand). Cytogenetic location: 8q24.3.
Variant type: single nucleotide variant.
Coding change: c.1903C>T on transcript NM_004260.4 (MANE Select); coding-DNA position 1903, C replaced by T.
Protein change: p.His635Tyr; replaces histidine 635 with tyrosine.
Molecular consequence: missense variant.
Genome position (GRCh38, 1-based): chr8:144,514,083, G>A on the plus strand (C>T on the coding strand, the complement: RECQL4 is on the minus strand). VCF-style: chr8-144514083-G-A. GRCh37 (hg19) VCF-style: chr8-145739467-G-A.
Other names: short protein forms H635Y.
Identifiers: ClinVar variation 528965 (VCV000528965.9), dbSNP rs758743745, ClinGen allele CA4948578.
Genomic context (GRCh38, chr8:144,514,083, plus strand): 5'-GCTGTGCCACGTCACTGGCAGTGCGGCGTGTGGCTGTGGCTGTGAGGCCCAGGAAGCAGT[G>A]CACGCCCATGCGCTCCCGAAGCACCTGCACCAGAGGCGGCAGTGGTGTGAGGCCGCCCAG-3'
Protein context (NP_004251.4, residues 625-645): CKVLRERMGV[His635Tyr]CFLGLTATAT